The following is an entry in ClinVar:

ClinVar aggregate classification (germline): Uncertain significance (1 of 4 stars; one submission).

Submission:

Labcorp Genetics (formerly Invitae), Labcorp
Classification: Uncertain significance. Last evaluated: 2022-06-25. Review status: criteria provided, single submitter. Criteria: Invitae Variant Classification Sherloc (09022015). Collection method: clinical testing. Allele origin: germline.
Comment: In summary, the available evidence is currently insufficient to determine the role of this variant in disease. Therefore, it has been classified as a Variant of Uncertain Significance. Experimental studies and prediction algorithms are not available or were not evaluated, and the functional significance of this variant is currently unknown. This variant has not been reported in the literature in individuals affected with IL12RB2-related conditions. This variant is not present in population databases (gnomAD no frequency). This variant, c.184_213del, results in the deletion of 10 amino acid(s) of the IL12RB2 protein (p.Tyr62_Tyr71del), but otherwise preserves the integrity of the reading frame.

NM_001374259.2(IL12RB2):c.184_213del (p.Tyr62_Tyr71del)

Gene: IL12RB2 (interleukin 12 receptor subunit beta 2; plus strand). Cytogenetic location: 1p31.3.
Variant type: Deletion.
Coding change: c.184_213del on transcript NM_001374259.2 (MANE Select); coding-DNA positions 184 to 213, 30 bases deleted (TATTCCAGACGTAACAAGTTAATCCTGTAC).
Protein change: p.Tyr62_Tyr71del.
Molecular consequence: inframe deletion. On other transcripts: non-coding transcript variant (2).
Genome position (GRCh38, 1-based): chr1:67,321,709-67,321,738, TATTCCAGACGTAACAAGTTAATCCTGTAC deleted; deleting any 30 consecutive bases within chr1:67,321,707-67,321,738 gives the same sequence; the c. name uses the placement nearest the transcript's 3' end. VCF-style (leftmost placement, unchanged base first): chr1-67321706-CACTATTCCAGACGTAACAAGTTAATCCTGT-C. GRCh37 (hg19) VCF-style: chr1-67787389-CACTATTCCAGACGTAACAAGTTAATCCTGT-C.
Other names: c.184_213del, p.Tyr62_Tyr71del (NM_001258214.1, NM_001258215.1, NM_001258216.1 and 2 more transcripts).
Identifiers: ClinVar variation 1938802 (VCV001938802.5), dbSNP rs2525835271, ClinGen allele CA2580063194.